The following is an entry in ClinVar:

NM_001355436.2(SPTB):c.2137C>T (p.Gln713Ter)

Gene: SPTB (spectrin beta, erythrocytic; minus strand). Cytogenetic location: 14q23.3.
Variant type: single nucleotide variant.
Coding change: c.2137C>T on transcript NM_001355436.2 (MANE Select); coding-DNA position 2137, C replaced by T.
Protein change: p.Gln713Ter; replaces glutamine 713 with a stop codon.
Molecular consequence: nonsense.
Genome position (GRCh38, 1-based): chr14:64,793,526, G>A on the plus strand (C>T on the coding strand, the complement: SPTB is on the minus strand). VCF-style: chr14-64793526-G-A. GRCh37 (hg19) VCF-style: chr14-65260244-G-A.
Other names: c.2137C>T, p.Gln713Ter (NM_001024858.4, NM_001355437.2); short protein forms Q713*.
Identifiers: ClinVar variation 2585286 (VCV002585286.3), dbSNP rs2503160354, ClinGen allele CA390018943.
Genomic context (GRCh38, chr14:64,793,526, plus strand): 5'-CAGCCAGGTCCTTCAGCTGGTCCCACTGTGCCGACACCTCCTTTATGCGGGCCTCGATCT[G>A]CGGGTGCCCAAACTGCTTGCGCGCAACCATGCCATGAGCCTCCTGGAAGATCTGCTCCAG-3'

ClinVar aggregate classification (germline): Likely pathogenic. Review status: criteria provided, multiple submitters, no conflicts (2 of 4 stars). 2 submissions from 2 submitters: Likely pathogenic (2). Last evaluated 2024-07-11.

Conditions:
Hereditary spherocytosis type 2. Also called: SPHEROCYTOSIS, TYPE 2, AUTOSOMAL DOMINANT. Identifiers: Orphanet 822, MedGen C2674219, MONDO:0000913, OMIM 616649.

Submissions (2):

Revvity Omics, Revvity
Classification: Likely pathogenic. Last evaluated: 2024-07-11. Review status: criteria provided, single submitter. Criteria: ACMG Guidelines, 2015. Collection method: clinical testing. Allele origin: germline.

Neuberg Centre For Genomic Medicine, NCGM
Classification: Likely pathogenic for Hereditary spherocytosis type 2. Review status: criteria provided, single submitter. Criteria: ACMG Guidelines, 2015. Collection method: clinical testing. Allele origin: germline. Inheritance: Autosomal dominant inheritance. Affected: yes.
Comment: The c.2137C>T (p.Gln713Ter) variant has not been reported previously as a pathogenic variant nor as a benign variant, to our knowledge. The p.Gln713Ter variant is novel (not in any individuals) in gnomAD Exomes and is novel (not in any individuals) in 1000 Genomes. This variant has not been reported to the ClinVar database. This variant is predicted to cause loss of normal protein function through protein truncation. Loss of function variants have been previously reported to be disease causing. The nucleotide change in SPTB is predicted as conserved by GERP++ and PhyloP across 100 vertebrates. For these reasons, this variant has been classified as Likely Pathogenic.